The following is an entry in ClinVar:

ClinVar aggregate classification (germline): Uncertain significance (1 of 4 stars; one submission).

Allele frequency attached by ClinVar (database versions not stated): gnomAD exomes below 0.00001; ExAC 0.00001.
gnomAD v4.1: 2 of 1,614,172 alleles (0.00012%); highest among the groups gnomAD compares: East Asian, 0.0022%; no homozygotes.

Submission:

Ambry Genetics
Classification: Uncertain significance. Last evaluated: 2022-10-04. Review status: criteria provided, single submitter. Criteria: Ambry Variant Classification Scheme 2023. Collection method: clinical testing. Allele origin: germline.
Comment: The p.I268V variant (also known as c.802A>G), located in coding exon 4 of the MNDA gene, results from an A to G substitution at nucleotide position 802. The isoleucine at codon 268 is replaced by valine, an amino acid with highly similar properties. This amino acid position is conserved. In addition, this alteration is predicted to be tolerated by in silico analysis. Since supporting evidence is limited at this time, the clinical significance of this alteration remains unclear.

NM_002432.3(MNDA):c.802A>G (p.Ile268Val)

Gene: MNDA (myeloid cell nuclear differentiation antigen; plus strand). Cytogenetic location: 1q23.1.
Variant type: single nucleotide variant.
Coding change: c.802A>G on transcript NM_002432.3 (MANE Select); coding-DNA position 802, A replaced by G.
Protein change: p.Ile268Val; replaces isoleucine 268 with valine.
Molecular consequence: missense variant.
Genome position (GRCh38, 1-based): chr1:158,845,818, A>G. VCF-style: chr1-158845818-A-G. GRCh37 (hg19) VCF-style: chr1-158815608-A-G.
Other names: short protein forms I268V.
Identifiers: ClinVar variation 1761721 (VCV001761721.2), dbSNP rs745445772, ClinGen allele CA1185710.